The following is an entry in ClinVar:

ClinVar aggregate classification (germline): Pathogenic (1 of 4 stars; one submission).

Conditions:
Pallister-Hall syndrome (PHS). Also called: HYPOTHALAMIC HAMARTOBLASTOMA, HYPOPITUITARISM, IMPERFORATE ANUS, AND POSTAXIAL POLYDACTYLY; GLI3-Related Pallister-Hall Syndrome. Identifiers: Orphanet 672, MedGen C0265220, MONDO:0007804, OMIM 146510.
Greig cephalopolysyndactyly syndrome (GCPS). Also called: GLI3-Related Greig Cephalopolysyndactyly Syndrome; POLYSYNDACTYLY WITH PECULIAR SKULL SHAPE; Greig syndrome. Identifiers: Orphanet 380, MedGen C0265306, MONDO:0008287, OMIM 175700.

Submission:

Labcorp Genetics (formerly Invitae), Labcorp
Classification: Pathogenic for Pallister-Hall syndrome; Greig cephalopolysyndactyly syndrome. Last evaluated: 2024-12-19. Review status: criteria provided, single submitter. Criteria: Invitae Variant Classification Sherloc (09022015). Collection method: clinical testing. Allele origin: germline.
Comment: This sequence change falls in intron 13 of the GLI3 gene. It does not directly change the encoded amino acid sequence of the GLI3 protein. This variant is not present in population databases (gnomAD no frequency). This variant has been observed in individual(s) with clinical features of GLI3-related conditions (internal data). In at least one individual the variant was observed to be de novo. Algorithms developed to predict the effect of sequence changes on RNA splicing suggest that this variant may disrupt the consensus splice site. For these reasons, this variant has been classified as Pathogenic.

NM_000168.6(GLI3):c.2104-14C>G

Gene: GLI3 (GLI family zinc finger 3; minus strand). Cytogenetic location: 7p14.1.
Variant type: single nucleotide variant.
Coding change: c.2104-14C>G on transcript NM_000168.6 (MANE Select); 14 bases into the intron before coding-DNA position 2104, C replaced by G.
Molecular consequence: intron variant.
Genome position (GRCh38, 1-based): chr7:41,967,937, G>C on the plus strand (C>G on the coding strand, the complement: GLI3 is on the minus strand). VCF-style: chr7-41967937-G-C. GRCh37 (hg19) VCF-style: chr7-42007535-G-C.
Identifiers: ClinVar variation 3759841 (VCV003759841.2).